The following is an entry in ClinVar:

ClinVar aggregate classification (germline): Likely pathogenic (1 of 4 stars; one submission).

Conditions:
X-linked ichthyosis with steryl-sulfatase deficiency (XLI). Also called: PLACENTAL STEROID SULFATASE DEFICIENCY; STEROID SULFATASE DEFICIENCY; STEROID SULFATASE DEFICIENCY DISEASE; STS DEFICIENCY; Ichthyosis, X-Linked; Recessive X-linked ichthyosis. Identifiers: Orphanet 461, MedGen C0079588, MONDO:0010622, OMIM 308100.

Submission:

Laboratory of Medical Genetics, National & Kapodistrian University of Athens
Classification: Likely pathogenic for X-linked ichthyosis with steryl-sulfatase deficiency. Last evaluated: 2023-09-26. Review status: criteria provided, single submitter. Criteria: ACMG Guidelines, 2015. Collection method: clinical testing. Allele origin: germline. Affected: yes.
Comment: PVS1_MOD, PM2, PP3, PP4 - It is predicted to disrupted splicing of mRNA. Low frequency in gnomAD population databases. In silico prediction tools estimated that the variant could be damaging for the protein function/stracture. Higly relevant to the patient's phenotype.

NM_001320752.2(STS):c.382G>A (p.Gly128Arg)

Gene: STS (steroid sulfatase; plus strand). Cytogenetic location: Xp22.31.
Variant type: single nucleotide variant.
Coding change: c.382G>A on transcript NM_001320752.2 (MANE Select); coding-DNA position 382, G replaced by A.
Protein change: p.Gly128Arg; replaces glycine 128 with arginine.
Molecular consequence: missense variant.
Genome position (GRCh38, 1-based): chrX:7,257,588, G>A. VCF-style: chrX-7257588-G-A. GRCh37 (hg19) VCF-style: chrX-7175629-G-A.
Other names: c.382G>A, p.Gly128Arg (NM_000351.7, NM_001320753.2, NM_001320754.2); c.418G>A, p.Gly140Arg (NM_001320750.3, NM_001320751.2); short protein forms G128R, G140R.
Identifiers: ClinVar variation 3256558 (VCV003256558.1).
Genomic context (GRCh38, chrX:7,257,588, plus strand): 5'-ACCGATGAGATTACCTTTGCTAAGCTTCTGAAGGATCAAGGTTATTCAACAGCACTGATA[G>A]GTATGGACATCTATGGGATGGGAACCATCTATAGGTATGGGAATGGGAGGGAGGACTTGG-3'
Protein context (NP_001307681.2, residues 118-138): KDQGYSTALI[Gly128Arg]KWHLGMSCHS